The following is an entry in ClinVar:

NM_001376013.1(EPB41):c.532G>A (p.Glu178Lys)

Gene: EPB41 (erythrocyte membrane protein band 4.1; plus strand). Cytogenetic location: 1p35.3.
Variant type: single nucleotide variant.
Coding change: c.532G>A on transcript NM_001376013.1 (MANE Select); coding-DNA position 532, G replaced by A.
Protein change: p.Glu178Lys; replaces glutamic acid 178 with lysine.
Molecular consequence: missense variant. On other transcripts: 5 prime UTR variant (10).
Genome position (GRCh38, 1-based): chr1:28,993,393, G>A. VCF-style: chr1-28993393-G-A. GRCh37 (hg19) VCF-style: chr1-29319905-G-A.
Other names: c.532G>A, p.Glu178Lys (NM_001166005.2, NM_001166006.2, NM_001376014.1 and 8 more transcripts); c.-96G>A (NM_001166007.2, NM_001376022.1, NM_001376023.1 and 7 more transcripts); short protein forms E178K.
Identifiers: ClinVar variation 3619076 (VCV003619076.2).

ClinVar aggregate classification (germline): Uncertain significance (1 of 4 stars; one submission).

Submission:

Labcorp Genetics (formerly Invitae), Labcorp
Classification: Uncertain significance. Last evaluated: 2024-11-25. Review status: criteria provided, single submitter. Criteria: Invitae Variant Classification Sherloc (09022015). Collection method: clinical testing. Allele origin: germline.
Comment: The EPB41 gene has multiple clinically relevant transcripts. This variant occurs in alternate transcript NM_001166005.1, and corresponds to NM_004437.3:c.-96G>A in the primary transcript. This sequence change replaces glutamic acid, which is acidic and polar, with lysine, which is basic and polar, at codon 178 of the EPB41 protein (p.Glu178Lys). This variant is present in population databases (rs766257622, gnomAD 0.02%). This variant has not been reported in the literature in individuals affected with EPB41-related conditions. In summary, the available evidence is currently insufficient to determine the role of this variant in disease. Therefore, it has been classified as a Variant of Uncertain Significance.